The following is an entry in ClinVar:

ClinVar aggregate classification (germline): Likely benign (1 of 4 stars; one submission).

gnomAD v4.1: 311 of 1,613,952 alleles (0.019%); highest among the groups gnomAD compares: Non-Finnish European, 0.025%; no homozygotes.

Submission:

CeGaT Center for Human Genetics Tuebingen
Classification: Likely benign. Last evaluated: 2026-09-01. Review status: criteria provided, single submitter. Criteria: CeGaT Center For Human Genetics Tuebingen Variant Classification Criteria Version 2. Collection method: clinical testing. Allele origin: germline. Affected: yes. Observed: 2 variant alleles.
Comment: TRIO: BP4, BP7

NM_007118.4(TRIO):c.4920C>T (p.Ile1640=)

Genes: TRIO (trio Rho guanine nucleotide exchange factor; plus strand), LOC126807322 (P300/CBP strongly-dependent group 1 enhancer GRCh37_chr5:14406263-14407462; plus strand). Cytogenetic location: 5p15.2.
Variant type: single nucleotide variant.
Coding change: c.4920C>T on transcript NM_007118.4 (MANE Select); coding-DNA position 4920, C replaced by T.
Protein change: p.Ile1640=; no amino-acid change (isoleucine 1640 retained).
Molecular consequence: synonymous variant. On other transcripts: non-coding transcript variant (1).
Genome position (GRCh38, 1-based): chr5:14,406,633, C>T. VCF-style: chr5-14406633-C-T. GRCh37 (hg19) VCF-style: chr5-14406742-C-T.
Identifiers: ClinVar variation 5038662 (VCV005038662.1).